The following is an entry in ClinVar:

ClinVar aggregate classification (germline): Uncertain significance. Review status: criteria provided, multiple submitters, no conflicts (2 of 4 stars). 3 submissions from 3 submitters: Uncertain significance (3). Last evaluated 2024-11-29.

Conditions:
Inborn genetic diseases. Identifiers: MedGen C0950123, MeSH D030342.
Developmental and epileptic encephalopathy, 37 (DEE37). Also called: Epileptic encephalopathy, early infantile, 37. Identifiers: MedGen C4310770, MONDO:0014859, OMIM 616981.

Allele frequency attached by ClinVar (database versions not stated): TOPMed 0.00001; gnomAD 0.00002.

Submissions (3):

Ambry Genetics
Classification: Uncertain significance for Inborn genetic diseases. Last evaluated: 2024-11-29. Review status: criteria provided, single submitter. Criteria: Ambry Variant Classification Scheme 2023. Collection method: clinical testing. Allele origin: germline.

Labcorp Genetics (formerly Invitae), Labcorp
Classification: Uncertain significance for Developmental and epileptic encephalopathy, 37. Last evaluated: 2022-06-05. Review status: criteria provided, single submitter. Criteria: Invitae Variant Classification Sherloc (09022015). Collection method: clinical testing. Allele origin: germline.
Comment: This sequence change replaces proline, which is neutral and non-polar, with threonine, which is neutral and polar, at codon 93 of the FRRS1L protein (p.Pro93Thr). This variant is present in population databases (no rsID available, gnomAD 0.2%). This variant has not been reported in the literature in individuals affected with FRRS1L-related conditions. ClinVar contains an entry for this variant (Variation ID: 863840). Algorithms developed to predict the effect of missense changes on protein structure and function (SIFT, PolyPhen-2, Align-GVGD) all suggest that this variant is likely to be tolerated. In summary, the available evidence is currently insufficient to determine the role of this variant in disease. Therefore, it has been classified as a Variant of Uncertain Significance.

GeneDx
Classification: Uncertain significance. Last evaluated: 2022-02-11. Review status: criteria provided, single submitter. Criteria: GeneDx Variant Classification Process June 2021. Collection method: clinical testing. Allele origin: germline. Affected: yes.
Comment: In silico analysis supports that this missense variant does not alter protein structure/function; Has not been previously published as pathogenic or benign to our knowledge

NM_014334.4(FRRS1L):c.124C>A (p.Pro42Thr)

Gene: FRRS1L (ferric chelate reductase 1 like; minus strand). Cytogenetic location: 9q31.3.
Variant type: single nucleotide variant.
Coding change: c.124C>A on transcript NM_014334.4 (MANE Select); coding-DNA position 124, C replaced by A.
Protein change: p.Pro42Thr; replaces proline 42 with threonine.
Molecular consequence: missense variant.
Genome position (GRCh38, 1-based): chr9:109,167,015, G>T on the plus strand (C>A on the coding strand, the complement: FRRS1L is on the minus strand). VCF-style: chr9-109167015-G-T. GRCh37 (hg19) VCF-style: chr9-111929295-G-T.
Other names: short protein forms P42T.
Identifiers: ClinVar variation 863840 (VCV000863840.8), dbSNP rs1369673652, ClinGen allele CA374430454.
Genomic context (GRCh38, chr9:109,167,015, plus strand): 5'-AGGAGTCGTGGCGCGGCACCGCCTCGTCGGCGCCCGTGTCCCCCCGCGCGCGTCCCCGGG[G>T]TCCCCGGCCCCCCGGGCCCGCACCGTCGTCCGCGGGGCTGGCTGCGCAGGCGGCGGGCCC-3'
Protein context (NP_055149.3, residues 32-52): DDGAGPGGRG[Pro42Thr]RGRARGDTGA